The following is an entry in ClinVar:

NM_000059.4(BRCA2):c.3939C>G (p.Tyr1313Ter)

Gene: BRCA2 (BRCA2 DNA repair associated; plus strand). Cytogenetic location: 13q13.1.
Variant type: single nucleotide variant.
Coding change: c.3939C>G on transcript NM_000059.4 (MANE Select); coding-DNA position 3939, C replaced by G.
Protein change: p.Tyr1313Ter; replaces tyrosine 1313 with a stop codon.
Molecular consequence: nonsense.
Genome position (GRCh38, 1-based): chr13:32,338,294, C>G. VCF-style: chr13-32338294-C-G. GRCh37 (hg19) VCF-style: chr13-32912431-C-G.
Other names: 4167C>G; short protein forms Y1313*.
Identifiers: ClinVar variation 96801 (VCV000096801.17), dbSNP rs80358641, ClinGen allele CA019246.

ClinVar aggregate classification (germline): Pathogenic. Review status: reviewed by expert panel (3 of 4 stars). 7 submissions from 7 submitters: Pathogenic (1). 6 of the submissions do not count toward it. Last evaluated 2016-09-08.

Conditions:
Hereditary cancer-predisposing syndrome. Also called: Hereditary Cancer Syndrome; Neoplastic Syndromes, Hereditary; Hereditary neoplastic syndrome; Tumor predisposition. Identifiers: Orphanet 140162, MedGen C0027672, MeSH D009386, MONDO:0015356.
Hereditary breast ovarian cancer syndrome. Also called: Breast and ovarian cancer; Hereditary breast and/or ovarian cancer syndrome; Hereditary breast and ovarian cancer; Hereditary breast and ovarian cancer syndrome; Hereditary breast and ovarian cancer syndrome (HBOC); BRCA1- and BRCA2-Associated Hereditary Breast and Ovarian Cancer. Identifiers: Orphanet 145, MedGen C0677776, MeSH D061325, MONDO:0003582. Disease mechanism: loss of function.
Breast-ovarian cancer, familial, susceptibility to, 2 (BROVCA2). Also called: BRCA2 Hereditary Breast and Ovarian Cancer. Identifiers: Orphanet 145, MedGen C2675520, MONDO:0012933, OMIM 612555. Disease mechanism: loss of function.

Submissions (7):

Evidence-based Network for the Interpretation of Germline Mutant Alleles (ENIGMA)
Classification: Pathogenic for Breast-ovarian cancer, familial, susceptibility to, 2. Last evaluated: 2016-09-08. Review status: reviewed by expert panel. Criteria: ENIGMA BRCA1/2 Classification Criteria (2015). Collection method: curation. Allele origin: germline.
Comment: Variant allele predicted to encode a truncated non-functional protein.

Labcorp Genetics (formerly Invitae), Labcorp
Classification: Pathogenic for Hereditary breast ovarian cancer syndrome. Last evaluated: 2023-10-10. Review status: criteria provided, single submitter. Criteria: Invitae Variant Classification Sherloc (09022015). Collection method: clinical testing. Allele origin: germline. Not counted in ClinVar's aggregate classification.
Comment: This sequence change creates a premature translational stop signal (p.Tyr1313*) in the BRCA2 gene. It is expected to result in an absent or disrupted protein product. Loss-of-function variants in BRCA2 are known to be pathogenic (PMID: 20104584). This variant is not present in population databases (gnomAD no frequency). This premature translational stop signal has been observed in individual(s) with personal and/or family history of breast and/or ovarian cancers (PMID: 16168118, 29446198, 30154229). ClinVar contains an entry for this variant (Variation ID: 96801). For these reasons, this variant has been classified as Pathogenic.

Ambry Genetics
Classification: Pathogenic for Hereditary cancer-predisposing syndrome. Last evaluated: 2021-06-02. Review status: criteria provided, single submitter. Criteria: Ambry Variant Classification Scheme 2023. Collection method: clinical testing. Allele origin: germline. Not counted in ClinVar's aggregate classification.
Comment: The p.Y1313* pathogenic mutation (also known as c.3939C>G), located in coding exon 10 of the BRCA2 gene, results from a C to G substitution at nucleotide position 3939. This changes the amino acid from a tyrosine to a stop codon within coding exon 10. This mutation has previously been reported in a Czech family with two cases of ovarian cancer (Pohlreich P et al. Breast Cancer Res. 2005 Jul;7:R728-36). In addition to the clinical data presented in the literature, his alteration is expected to result in loss of function by premature protein truncation or nonsense-mediated mRNA decay. As such, this alteration is interpreted as a disease-causing mutation.

Quest Diagnostics Nichols Institute San Juan Capistrano
Classification: Pathogenic. Last evaluated: 2017-11-21. Review status: criteria provided, single submitter. Criteria: Quest Diagnostics criteria. Collection method: clinical testing. Allele origin: germline. Not counted in ClinVar's aggregate classification.

GeneDx
Classification: Pathogenic. Last evaluated: 2017-05-05. Review status: criteria provided, single submitter. Criteria: GeneDx Variant Classification (06012015). Collection method: clinical testing. Allele origin: germline. Affected: yes. Not counted in ClinVar's aggregate classification.
Comment: This variant is denoted BRCA2 c.3939C>G at the cDNA level and p.Tyr1313Ter (Y1313X) at the protein level. Using alternate nomenclature, this variant would be defined as BRCA2 4167C>G. The substitution creates a nonsense variant, which changes a Tyrosine to a premature stop codon (TAC>TAG), and is predicted to cause loss of normal protein function through either protein truncation or nonsense-mediated mRNA decay. Although this variant has not, to our knowledge, been reported in the literature, it is considered pathogenic.

Sharing Clinical Reports Project (SCRP)
Classification: Pathogenic for Breast-ovarian cancer, familial 2. Last evaluated: 2008-11-19. Review status: no assertion criteria provided. Collection method: clinical testing. Allele origin: germline. Not counted in ClinVar's aggregate classification.

Breast Cancer Information Core (BIC) (BRCA2)
Classification: Pathogenic for Breast-ovarian cancer, familial 2. Last evaluated: 2003-12-23. Review status: no assertion criteria provided. Collection method: clinical testing. Allele origin: germline. Affected: yes. Observed: 1 variant allele. Not counted in ClinVar's aggregate classification.

Literature cited by the submitters: PubMed 20104584 (cited by Labcorp Genetics (formerly Invitae), Labcorp); PubMed 16168118 (cited by Labcorp Genetics (formerly Invitae), Labcorp and Ambry Genetics); PubMed 29446198 (cited by Labcorp Genetics (formerly Invitae), Labcorp); PubMed 30154229 (cited by Labcorp Genetics (formerly Invitae), Labcorp).